The following is an entry in ClinVar:

NM_203447.4(DOCK8):c.4027A>G (p.Lys1343Glu)

Gene: DOCK8 (dedicator of cytokinesis 8; plus strand). Cytogenetic location: 9p24.3.
Variant type: single nucleotide variant.
Coding change: c.4027A>G on transcript NM_203447.4 (MANE Select); coding-DNA position 4027, A replaced by G.
Protein change: p.Lys1343Glu; replaces lysine 1343 with glutamic acid.
Molecular consequence: missense variant.
Genome position (GRCh38, 1-based): chr9:420,952, A>G. VCF-style: chr9-420952-A-G. GRCh37 (hg19) VCF-style: chr9-420952-A-G.
Other names: c.3727A>G, p.Lys1243Glu (NM_001190458.2); c.3823A>G, p.Lys1275Glu (NM_001193536.2); short protein forms K1275E, K1243E, K1343E.
Identifiers: ClinVar variation 1391220 (VCV001391220.8), dbSNP rs1203467155, ClinGen allele CA372764271.

ClinVar aggregate classification (germline): Uncertain significance (1 of 4 stars; one submission).

Conditions:
Combined immunodeficiency due to DOCK8 deficiency (HIES2). Also called: HIES autosomal recessive; Hyper-IgE recurrent infection syndrome, autosomal recessive; HYPER-IgE RECURRENT INFECTION SYNDROME 2, AUTOSOMAL RECESSIVE; HYPER-IgE SYNDROME 2, AUTOSOMAL RECESSIVE, WITH RECURRENT INFECTIONS; DOCK8 Deficiency. Identifiers: Orphanet 217390, MedGen C4722305, MONDO:0009478, OMIM 243700.

Allele frequency attached by ClinVar (database versions not stated): gnomAD 0.00001; TOPMed 0.00001.
gnomAD v4.1: 2 of 1,614,080 alleles (0.00012%); highest among the groups gnomAD compares: Non-Finnish European, 0.00017%; no homozygotes.

Submission:

Labcorp Genetics (formerly Invitae), Labcorp
Classification: Uncertain significance for Combined immunodeficiency due to DOCK8 deficiency. Last evaluated: 2022-02-05. Review status: criteria provided, single submitter. Criteria: Invitae Variant Classification Sherloc (09022015). Collection method: clinical testing. Allele origin: germline.
Comment: In summary, the available evidence is currently insufficient to determine the role of this variant in disease. Therefore, it has been classified as a Variant of Uncertain Significance. Algorithms developed to predict the effect of missense changes on protein structure and function are either unavailable or do not agree on the potential impact of this missense change (SIFT: "Tolerated"; PolyPhen-2: "Possibly Damaging"; Align-GVGD: "Class C0"). This variant has not been reported in the literature in individuals affected with DOCK8-related conditions. This variant is not present in population databases (gnomAD no frequency). This sequence change replaces lysine, which is basic and polar, with glutamic acid, which is acidic and polar, at codon 1343 of the DOCK8 protein (p.Lys1343Glu).